The following is an entry in ClinVar:

ClinVar aggregate classification (germline): Uncertain significance (1 of 4 stars; one submission).

Submission:

Labcorp Genetics (formerly Invitae), Labcorp
Classification: Uncertain significance. Last evaluated: 2024-06-29. Review status: criteria provided, single submitter. Criteria: Invitae Variant Classification Sherloc (09022015). Collection method: clinical testing. Allele origin: germline.
Comment: This sequence change replaces glycine, which is neutral and non-polar, with arginine, which is basic and polar, at codon 984 of the FOCAD protein (p.Gly984Arg). This variant is present in population databases (rs757725058, gnomAD 0.007%). This variant has not been reported in the literature in individuals affected with FOCAD-related conditions. Experimental studies and prediction algorithms are not available or were not evaluated, and the functional significance of this variant is currently unknown. In summary, the available evidence is currently insufficient to determine the role of this variant in disease. Therefore, it has been classified as a Variant of Uncertain Significance.

NM_001375567.1(FOCAD):c.2950G>A (p.Gly984Arg)

Gene: FOCAD (focadhesin; plus strand). Cytogenetic location: 9p21.3.
Variant type: single nucleotide variant.
Coding change: c.2950G>A on transcript NM_001375567.1 (MANE Select); coding-DNA position 2950, G replaced by A.
Protein change: p.Gly984Arg; replaces glycine 984 with arginine.
Molecular consequence: missense variant.
Genome position (GRCh38, 1-based): chr9:20,923,757, G>A. VCF-style: chr9-20923757-G-A. GRCh37 (hg19) VCF-style: chr9-20923756-G-A.
Other names: c.2845G>A, p.Gly949Arg (NM_001375568.1, NM_001375570.1); c.2950G>A, p.Gly984Arg (NM_017794.5); short protein forms G984R, G949R.
Identifiers: ClinVar variation 3678304 (VCV003678304.2).